The following is an entry in ClinVar:

ClinVar aggregate classification (germline): Likely benign (1 of 4 stars; one submission).

Conditions:
SCAPER-related disorder. Also called: SCAPER-related condition.

Submission:

PreventionGenetics, part of Exact Sciences
Classification: Likely benign for SCAPER-related condition. Last evaluated: 2025-06-07. Review status: criteria provided, single submitter. Criteria: ACMG Guidelines, 2015. Collection method: clinical testing. Allele origin: germline.
Comment: This variant is classified as likely benign based on ACMG/AMP sequence variant interpretation guidelines (Richards et al. 2015 PMID: 25741868, with internal and published modifications).

NM_020843.4(SCAPER):c.1602C>G (p.Pro534=)

Gene: SCAPER (S-phase cyclin A associated protein in the ER; minus strand). Cytogenetic location: 15q24.3.
Variant type: single nucleotide variant.
Coding change: c.1602C>G on transcript NM_020843.4 (MANE Select); coding-DNA position 1602, C replaced by G.
Protein change: p.Pro534=; no amino-acid change (proline 534 retained).
Molecular consequence: synonymous variant. On other transcripts: non-coding transcript variant (1).
Genome position (GRCh38, 1-based): chr15:76,765,348, G>C on the plus strand (C>G on the coding strand, the complement: SCAPER is on the minus strand). VCF-style: chr15-76765348-G-C. GRCh37 (hg19) VCF-style: chr15-77057689-G-C.
Other names: c.864C>G, p.Pro288= (NM_001145923.2); c.1620C>G, p.Pro540= (NM_001353009.2); c.1200C>G, p.Pro400= (NM_001353010.2, NM_001353012.2); c.1218C>G, p.Pro406= (NM_001353011.2).
Identifiers: ClinVar variation 4996907 (VCV004996907.1).